The following is an entry in ClinVar:

NM_016507.4(CDK12):c.1244T>A (p.Met415Lys)

Gene: CDK12 (cyclin dependent kinase 12; plus strand). Cytogenetic location: 17q12.
Variant type: single nucleotide variant.
Coding change: c.1244T>A on transcript NM_016507.4 (MANE Select); coding-DNA position 1244, T replaced by A.
Protein change: p.Met415Lys; replaces methionine 415 with lysine.
Molecular consequence: missense variant.
Genome position (GRCh38, 1-based): chr17:39,471,076, T>A. VCF-style: chr17-39471076-T-A. GRCh37 (hg19) VCF-style: chr17-37627329-T-A.
Other names: c.1244T>A, p.Met415Lys (NM_015083.4); short protein forms M415K.
Identifiers: ClinVar variation 3999450 (VCV003999450.1).

ClinVar aggregate classification (germline): Uncertain significance (1 of 4 stars; one submission).

Submission:

Ambry Genetics
Classification: Uncertain significance. Last evaluated: 2025-05-15. Review status: criteria provided, single submitter. Criteria: Ambry Variant Classification Scheme 2023. Collection method: clinical testing. Allele origin: germline.
Comment: The p.M415K variant (also known as c.1244T>A), located in coding exon 2 of the CDK12 gene, results from a T to A substitution at nucleotide position 1244. The methionine at codon 415 is replaced by lysine, an amino acid with similar properties. This amino acid position is conserved. In addition, this alteration is predicted to be tolerated by in silico analysis. Based on the available evidence, the clinical significance of this variant remains unclear.